The following is an entry in ClinVar:

ClinVar aggregate classification (germline): Likely pathogenic (1 of 4 stars; one submission).

Conditions:
Mucopolysaccharidosis type 6 (MPS6). Also called: N-ACETYLGALACTOSAMINE-4-SULFATASE DEFICIENCY; MPS VI; ARSB DEFICIENCY; ARYLSULFATASE B DEFICIENCY; MPS 6; Maroteaux Lamy syndrome. Identifiers: Orphanet 583, MedGen C0026709, MONDO:0009661, OMIM 253200.

Submission:

Natera, Inc.
Classification: Likely pathogenic for Mucopolysaccharidosis type VI. Last evaluated: 2024-09-26. Review status: criteria provided, single submitter. Criteria: Natera Variant Classification Schema (03/2026). Collection method: clinical testing. Allele origin: germline.
Comment: The c.504T>G variant in ARSB is a nonsense variant predicted to introduce a stop codon at amino acid 168. This variant is expected to result in nonsense mediated decay, truncation, or a dysfunctional protein product. This variant is rare in the general population with a frequency below the threshold expected for the associated phenotype(s). Given the available evidence, this variant is classified as Likely Pathogenic.

NM_000046.5(ARSB):c.504T>G (p.Tyr168Ter)

Gene: ARSB (arylsulfatase B; minus strand). Cytogenetic location: 5q14.1.
Variant type: single nucleotide variant.
Coding change: c.504T>G on transcript NM_000046.5 (MANE Select); coding-DNA position 504, T replaced by G.
Protein change: p.Tyr168Ter; replaces tyrosine 168 with a stop codon.
Molecular consequence: nonsense.
Genome position (GRCh38, 1-based): chr5:78,964,602, A>C on the plus strand (T>G on the coding strand, the complement: ARSB is on the minus strand). VCF-style: chr5-78964602-A-C. GRCh37 (hg19) VCF-style: chr5-78260425-A-C.
Other names: c.504T>G, p.Tyr168Ter (NM_198709.3); short protein forms Y168*.
Identifiers: ClinVar variation 4818211 (VCV004818211.1).